The following is an entry in ClinVar:

NM_006946.4(SPTBN2):c.1457C>A (p.Ala486Asp)

Gene: SPTBN2 (spectrin beta, non-erythrocytic 2; minus strand). Cytogenetic location: 11q13.2.
Variant type: single nucleotide variant.
Coding change: c.1457C>A on transcript NM_006946.4 (MANE Select); coding-DNA position 1457, C replaced by A.
Protein change: p.Ala486Asp; replaces alanine 486 with aspartic acid.
Molecular consequence: missense variant.
Genome position (GRCh38, 1-based): chr11:66,707,712, G>T on the plus strand (C>A on the coding strand, the complement: SPTBN2 is on the minus strand). VCF-style: chr11-66707712-G-T. GRCh37 (hg19) VCF-style: chr11-66475183-G-T.
Other names: short protein forms A486D.
Identifiers: ClinVar variation 448481 (VCV000448481.9), dbSNP rs763948508, ClinGen allele CA6129366.

ClinVar aggregate classification (germline): Conflicting classifications of pathogenicity. Review status: criteria provided, conflicting classifications (1 of 4 stars). 3 submissions from 3 submitters: Uncertain significance (2); Likely benign (1). Last evaluated 2024-03-28.

Conditions:
Inborn genetic diseases. Identifiers: MedGen C0950123, MeSH D030342.

Allele frequency attached by ClinVar (database versions not stated): ExAC 0.00002; gnomAD exomes 0.00003 and 0.00004; TOPMed 0.00005; gnomAD 0.00006 and 0.00007.
gnomAD v4.1: 46 of 1,605,044 alleles (0.0029%); highest among the groups gnomAD compares: Non-Finnish European, 0.0037%; no homozygotes.

Submissions (3):

Labcorp Genetics (formerly Invitae), Labcorp
Classification: Uncertain significance. Last evaluated: 2024-03-28. Review status: criteria provided, single submitter. Criteria: Invitae Variant Classification Sherloc (09022015). Collection method: clinical testing. Allele origin: germline.
Comment: This sequence change replaces alanine, which is neutral and non-polar, with aspartic acid, which is acidic and polar, at codon 486 of the SPTBN2 protein (p.Ala486Asp). This variant is present in population databases (rs763948508, gnomAD 0.01%). This variant has not been reported in the literature in individuals affected with SPTBN2-related conditions. ClinVar contains an entry for this variant (Variation ID: 448481). Advanced modeling of protein sequence and biophysical properties (such as structural, functional, and spatial information, amino acid conservation, physicochemical variation, residue mobility, and thermodynamic stability) performed at Invitae indicates that this missense variant is not expected to disrupt SPTBN2 protein function with a negative predictive value of 80%. In summary, the available evidence is currently insufficient to determine the role of this variant in disease. Therefore, it has been classified as a Variant of Uncertain Significance.

Ambry Genetics
Classification: Uncertain significance for Inborn genetic diseases. Last evaluated: 2021-12-03. Review status: criteria provided, single submitter. Criteria: Ambry Variant Classification Scheme 2023. Collection method: clinical testing. Allele origin: germline.

Athena Diagnostics
Classification: Likely benign. Last evaluated: 2017-03-22. Review status: criteria provided, single submitter. Criteria: Athena Diagnostics Criteria. Collection method: clinical testing. Allele origin: germline.